The following is an entry in ClinVar:

NM_001005242.3(PKP2):c.31G>T (p.Gly11Cys)

Gene: PKP2 (plakophilin 2; minus strand). Cytogenetic location: 12p11.21.
Variant type: single nucleotide variant.
Coding change: c.31G>T on transcript NM_001005242.3 (MANE Select); coding-DNA position 31, G replaced by T.
Protein change: p.Gly11Cys; replaces glycine 11 with cysteine.
Molecular consequence: missense variant.
Genome position (GRCh38, 1-based): chr12:32,896,701, C>A on the plus strand (G>T on the coding strand, the complement: PKP2 is on the minus strand). VCF-style: chr12-32896701-C-A. GRCh37 (hg19) VCF-style: chr12-33049635-C-A.
Other names: c.31G>T, p.Gly11Cys (NM_004572.4); short protein forms G11C.
Identifiers: ClinVar variation 924036 (VCV000924036.8), dbSNP rs1250140346, ClinGen allele CA384371725.

ClinVar aggregate classification (germline): Uncertain significance. Review status: criteria provided, multiple submitters, no conflicts (2 of 4 stars). 3 submissions from 3 submitters: Uncertain significance (3). Last evaluated 2025-12-01.

Conditions:
Arrhythmogenic right ventricular cardiomyopathy (ARVD). Also called: Arrhythmogenic cardiomyopathy; Cardiomyopathy, ARVC; Arrhythmogenic right ventricular dysplasia; Arrhythmogenic Right Ventricular Cardiomyopathy (ARVC). Identifiers: Orphanet 247, MedGen C0349788, MeSH D019571, MONDO:0016587. Disease mechanism: loss of function. Inheritance: Various modes of inheritance.
Cardiomyopathy (CMYO). Also called: Cardiomyopathies. Identifiers: Orphanet 167848, MedGen C0878544, MONDO:0004994, HP:0001638. Inheritance: Various modes of inheritance.
Arrhythmogenic right ventricular dysplasia 9 (ARVD9). Also called: Arrhythmogenic Right Ventricular Dysplasia/Cardiomyopathy 9; ARRHYTHMOGENIC RIGHT VENTRICULAR DYSPLASIA, FAMILIAL, 9. Identifiers: MedGen C1836906, MONDO:0012180, OMIM 609040.

Allele frequency attached by ClinVar (database versions not stated): gnomAD exomes below 0.00001.
gnomAD v4.1: 3 of 1,504,454 alleles (0.0002%); no homozygotes.

Submissions (3):

Labcorp Genetics (formerly Invitae), Labcorp
Classification: Uncertain significance for Arrhythmogenic right ventricular dysplasia 9. Last evaluated: 2025-12-01. Review status: criteria provided, single submitter. Criteria: Invitae Variant Classification Sherloc (09022015). Collection method: clinical testing. Allele origin: germline.
Comment: This sequence change replaces glycine, which is neutral and non-polar, with cysteine, which is neutral and slightly polar, at codon 11 of the PKP2 protein (p.Gly11Cys). The frequency data for this variant in the population databases is considered unreliable, as metrics indicate poor data quality at this position in the gnomAD database. This variant has not been reported in the literature in individuals affected with PKP2-related conditions. ClinVar contains an entry for this variant (Variation ID: 924036). An algorithm developed to predict the effect of missense changes on protein structure and function (PolyPhen-2) suggests that this variant is likely to be disruptive. In summary, the available evidence is currently insufficient to determine the role of this variant in disease. Therefore, it has been classified as a Variant of Uncertain Significance.

Color Diagnostics, LLC DBA Color Health
Classification: Uncertain significance for Cardiomyopathy. Last evaluated: 2024-03-06. Review status: criteria provided, single submitter. Criteria: ACMG Guidelines, 2015. Collection method: clinical testing. Allele origin: germline.
Comment: This missense variant replaces glycine with cysteine at codon 11 of the PKP2 protein. Computational prediction is inconclusive regarding the impact of this variant on protein structure and function (internally defined REVEL score threshold 0.5 < inconclusive < 0.7, PMID: 27666373). To our knowledge, functional studies have not been reported for this variant. This variant has not been reported in individuals affected with cardiovascular disorders in the literature. This variant has not been identified in the general population by the Genome Aggregation Database (gnomAD). The available evidence is insufficient to determine the role of this variant in disease conclusively. Therefore, this variant is classified as a Variant of Uncertain Significance.

All of Us Research Program, National Institutes of Health
Classification: Uncertain significance for Arrhythmogenic right ventricular cardiomyopathy. Last evaluated: 2023-03-04. Review status: criteria provided, single submitter. Criteria: ACMG Guidelines, 2015. Collection method: clinical testing. Allele origin: germline. Inheritance: Autosomal dominant inheritance. Observed: 1 variant allele, 1 heterozygote.
Comment: This missense variant replaces glycine with cysteine at codon 11 of the PKP2 protein. Computational prediction is inconclusive regarding the impact of this variant on protein structure and function (internally defined REVEL score threshold 0.5 < inconclusive < 0.7, PMID: 27666373). To our knowledge, functional studies have not been reported for this variant. This variant has not been reported in individuals affected with cardiovascular disorders in the literature. This variant has not been identified in the general population by the Genome Aggregation Database (gnomAD). The available evidence is insufficient to determine the role of this variant in disease conclusively. Therefore, this variant is classified as a Variant of Uncertain Significance.

This study involves interpretation of variants in research participants for the purpose of population health screening. Participant phenotype was not available at the time of variant classification. Additional details can be found in publication PMID: 35346344, PMCID: PMC8962531